The following is an entry in ClinVar:

NM_016239.4(MYO15A):c.6956+5G>A

Gene: MYO15A (myosin XVA; plus strand). Cytogenetic location: 17p11.2.
Variant type: single nucleotide variant.
Coding change: c.6956+5G>A on transcript NM_016239.4 (MANE Select); 5 bases into the intron after coding-DNA position 6956, G replaced by A.
Molecular consequence: intron variant.
Genome position (GRCh38, 1-based): chr17:18,148,957, G>A. VCF-style: chr17-18148957-G-A. GRCh37 (hg19) VCF-style: chr17-18052271-G-A.
Identifiers: ClinVar variation 3682065 (VCV003682065.3).

ClinVar aggregate classification (germline): Conflicting classifications of pathogenicity. Review status: criteria provided, conflicting classifications (1 of 4 stars). 2 submissions from 2 submitters: Likely pathogenic (1); Uncertain significance (1). Last evaluated 2026-04-16.

Submissions (2):

GeneDx
Classification: Likely pathogenic. Last evaluated: 2026-04-16. Review status: criteria provided, single submitter. Criteria: GeneDx Variant Classification Process June 2021. Collection method: clinical testing. Allele origin: germline.
Comment: Not observed at significant frequency in large population cohorts (gnomAD); Intronic +5 splice site variant in a gene for which loss of function is a known mechanism of disease, and both splice predictors and evolutionary conservation support a deleterious effect, although in the absence of functional evidence the actual effect of this sequence change is unknown.; Has not been previously published as pathogenic or benign to our knowledge

Labcorp Genetics (formerly Invitae), Labcorp
Classification: Uncertain significance. Last evaluated: 2024-05-01. Review status: criteria provided, single submitter. Criteria: Invitae Variant Classification Sherloc (09022015). Collection method: clinical testing. Allele origin: germline.
Comment: This sequence change falls in intron 33 of the MYO15A gene. It does not directly change the encoded amino acid sequence of the MYO15A protein. It affects a nucleotide within the consensus splice site. This variant is not present in population databases (gnomAD no frequency). This variant has been observed in individual(s) with nonsyndromic deafness (Invitae). In at least one individual the data is consistent with being in trans (on the opposite chromosome) from a pathogenic variant. Variants that disrupt the consensus splice site are a relatively common cause of aberrant splicing (PMID: 17576681, 9536098). Algorithms developed to predict the effect of sequence changes on RNA splicing suggest that this variant may disrupt the consensus splice site. In summary, the available evidence is currently insufficient to determine the role of this variant in disease. Therefore, it has been classified as a Variant of Uncertain Significance.

Literature cited by the submitters: PubMed 17576681 (cited by Labcorp Genetics (formerly Invitae), Labcorp); PubMed 9536098 (cited by Labcorp Genetics (formerly Invitae), Labcorp).